The following is an entry in ClinVar:

ClinVar aggregate classification (germline): Uncertain significance. Review status: criteria provided, multiple submitters, no conflicts (2 of 4 stars). 2 submissions from 2 submitters: Uncertain significance (2). Last evaluated 2022-12-07.

Submissions (2):

GeneDx
Classification: Uncertain significance. Last evaluated: 2022-12-07. Review status: criteria provided, single submitter. Criteria: GeneDx Variant Classification Process June 2021. Collection method: clinical testing. Allele origin: germline. Affected: yes.
Comment: Not observed at significant frequency in large population cohorts (gnomAD); In silico analysis supports that this variant does not alter splicing; Nucleotide substitution has no predicted effect on splicing and is not conserved across species; Has not been previously published as pathogenic or benign to our knowledge

Labcorp Genetics (formerly Invitae), Labcorp
Classification: Uncertain significance. Last evaluated: 2022-03-04. Review status: criteria provided, single submitter. Criteria: Invitae Variant Classification Sherloc (09022015). Collection method: clinical testing. Allele origin: germline.
Comment: This sequence change falls in intron 3 of the ADNP gene. It does not directly change the encoded amino acid sequence of the ADNP protein. This variant is not present in population databases (gnomAD no frequency). This variant has not been reported in the literature in individuals affected with ADNP-related conditions. In summary, the available evidence is currently insufficient to determine the role of this variant in disease. Therefore, it has been classified as a Variant of Uncertain Significance.

NM_001282531.3(ADNP):c.109-7T>C

Gene: ADNP (activity dependent neuroprotector homeobox; minus strand). Cytogenetic location: 20q13.13.
Variant type: single nucleotide variant.
Coding change: c.109-7T>C on transcript NM_001282531.3 (MANE Select); 7 bases into the intron before coding-DNA position 109, T replaced by C.
Molecular consequence: intron variant.
Genome position (GRCh38, 1-based): chr20:50,902,116, A>G on the plus strand (T>C on the coding strand, the complement: ADNP is on the minus strand). VCF-style: chr20-50902116-A-G. GRCh37 (hg19) VCF-style: chr20-49518653-A-G.
Other names: c.109-7T>C (NM_181442.4, NM_001347511.2, NM_015339.5 and 1 more transcripts).
Identifiers: ClinVar variation 2106692 (VCV002106692.5), dbSNP rs2515616434, ClinGen allele CA2580098280.